The following is an entry in ClinVar:

ClinVar aggregate classification (germline): Uncertain significance (1 of 4 stars; one submission).

Conditions:
Long QT syndrome (LQTS). Identifiers: MedGen C0023976, MeSH D008133, MONDO:0002442. Disease mechanism: loss of function. Inheritance: Various modes of inheritance.

gnomAD v4.1: 3 of 1,613,988 alleles (0.00019%); highest among the groups gnomAD compares: Non-Finnish European, 0.00017%; no homozygotes.

Submission:

Labcorp Genetics (formerly Invitae), Labcorp
Classification: Uncertain significance for Long QT syndrome. Last evaluated: 2022-11-08. Review status: criteria provided, single submitter. Criteria: Invitae Variant Classification Sherloc (09022015). Collection method: clinical testing. Allele origin: germline.
Comment: ClinVar contains an entry for this variant (Variation ID: 527008). In summary, the available evidence is currently insufficient to determine the role of this variant in disease. Therefore, it has been classified as a Variant of Uncertain Significance. Algorithms developed to predict the effect of missense changes on protein structure and function (SIFT, PolyPhen-2, Align-GVGD) all suggest that this variant is likely to be disruptive. This variant has not been reported in the literature in individuals affected with AKAP9-related conditions. This variant is not present in population databases (gnomAD no frequency). This sequence change replaces methionine, which is neutral and non-polar, with arginine, which is basic and polar, at codon 3440 of the AKAP9 protein (p.Met3440Arg).

NM_005751.5(AKAP9):c.10319T>G (p.Met3440Arg)

Gene: AKAP9 (A-kinase anchoring protein 9; plus strand). Cytogenetic location: 7q21.2.
Variant type: single nucleotide variant.
Coding change: c.10319T>G on transcript NM_005751.5 (MANE Select); coding-DNA position 10319, T replaced by G.
Protein change: p.Met3440Arg; replaces methionine 3440 with arginine.
Molecular consequence: missense variant.
Genome position (GRCh38, 1-based): chr7:92,097,278, T>G. VCF-style: chr7-92097278-T-G. GRCh37 (hg19) VCF-style: chr7-91726592-T-G.
Other names: c.4964T>G, p.Met1655Arg (NM_001379277.1); c.10295T>G, p.Met3432Arg (NM_147185.3); short protein forms M3440R, M3432R, M1655R.
Identifiers: ClinVar variation 527008 (VCV000527008.8), dbSNP rs751924200, ClinGen allele CA368155429.
Genomic context (GRCh38, chr7:92,097,278, plus strand): 5'-AAGAGAAAAGACAACAAGTTTATAAGTTAGACCTTGAAGGACAGCGACTACAAGGAATCA[T>G]GCAGGAATTCCAGAAGCAAGAACTAGAACGAGAAGAAAAACGAGAAAGTAGAAGAATTCT-3'
Protein context (NP_005742.4, residues 3430-3450): DLEGQRLQGI[Met3440Arg]QEFQKQELER